The following is an entry in ClinVar:

NM_001909.5(CTSD):c.166T>C (p.Ser56Pro)

Genes: PRADX (PRC2 and DDX5 associated lncRNA; plus strand), CTSD (cathepsin D; minus strand). Cytogenetic location: 11p15.5.
Variant type: single nucleotide variant.
Coding change: c.166T>C on transcript NM_001909.5 (MANE Select); coding-DNA position 166, T replaced by C.
Protein change: p.Ser56Pro; replaces serine 56 with proline.
Molecular consequence: missense variant.
Genome position (GRCh38, 1-based): chr11:1,761,371, A>G on the plus strand (T>C on the coding strand, the complement: CTSD is on the minus strand). VCF-style: chr11-1761371-A-G. GRCh37 (hg19) VCF-style: chr11-1782601-A-G.
Other names: short protein forms S56P.
Identifiers: ClinVar variation 2090484 (VCV002090484.4), dbSNP rs2493829786, ClinGen allele CA379099606.

ClinVar aggregate classification (germline): Uncertain significance (1 of 4 stars; one submission).

Conditions:
Neuronal ceroid lipofuscinosis. Also called: Neuronal Ceroid Lipofuscinoses. Identifiers: Orphanet 216, Orphanet 79263, MedGen C0027877, MONDO:0016295. Disease mechanism: loss of function.

Allele frequency attached by ClinVar (database versions not stated): gnomAD exomes below 0.00001.
gnomAD v4.1: 3 of 1,613,742 alleles (0.00019%); highest among the groups gnomAD compares: Non-Finnish European, 0.00017%; no homozygotes.

Submission:

Labcorp Genetics (formerly Invitae), Labcorp
Classification: Uncertain significance for Neuronal ceroid lipofuscinosis. Last evaluated: 2022-04-04. Review status: criteria provided, single submitter. Criteria: Invitae Variant Classification Sherloc (09022015). Collection method: clinical testing. Allele origin: germline.
Comment: In summary, the available evidence is currently insufficient to determine the role of this variant in disease. Therefore, it has been classified as a Variant of Uncertain Significance. Algorithms developed to predict the effect of missense changes on protein structure and function are either unavailable or do not agree on the potential impact of this missense change (SIFT: "Deleterious"; PolyPhen-2: "Benign"; Align-GVGD: "Class C0"). This sequence change replaces serine, which is neutral and polar, with proline, which is neutral and non-polar, at codon 56 of the CTSD protein (p.Ser56Pro). This variant is not present in population databases (gnomAD no frequency). This variant has not been reported in the literature in individuals affected with CTSD-related conditions.